The following is an entry in ClinVar:

ClinVar aggregate classification (germline): Uncertain significance (1 of 4 stars; one submission).

Submission:

Ambry Genetics
Classification: Uncertain significance. Last evaluated: 2026-02-17. Review status: criteria provided, single submitter. Criteria: Ambry Variant Classification Scheme 2023. Collection method: clinical testing. Allele origin: germline.
Comment: The c.5101C>T (p.R1701W) alteration is located in exon 31 (coding exon 29) of the PLXNB3 gene. This alteration results from a C to T substitution at nucleotide position 5101, causing the arginine (R) at amino acid position 1701 to be replaced by a tryptophan (W). Based on data from gnomAD, the T allele has an overall frequency of 0.002% (4/169736) total alleles studied. The highest observed frequency was 0.008% (1/12330) of African alleles. Based on insufficient or conflicting evidence, the clinical significance of this alteration remains unclear.

NM_005393.3(PLXNB3):c.5032C>T (p.Arg1678Trp)

Gene: PLXNB3 (plexin B3; plus strand). Cytogenetic location: Xq28.
Variant type: single nucleotide variant.
Coding change: c.5032C>T on transcript NM_005393.3 (MANE Select); coding-DNA position 5032, C replaced by T.
Protein change: p.Arg1678Trp; replaces arginine 1678 with tryptophan.
Molecular consequence: missense variant.
Genome position (GRCh38, 1-based): chrX:153,777,312, C>T. VCF-style: chrX-153777312-C-T. GRCh37 (hg19) VCF-style: chrX-153042767-C-T.
Other names: c.5101C>T, p.Arg1701Trp (NM_001163257.2); short protein forms R1678W, R1701W.
Identifiers: ClinVar variation 4830874 (VCV004830874.1).